The following is an entry in ClinVar:

ClinVar aggregate classification (germline): Pathogenic (1 of 4 stars; one submission).

Conditions:
Deficiency of steroid 17-alpha-monooxygenase. Also called: 17-ALPHA-HYDROXYLASE DEFICIENCY; ADRENAL HYPERPLASIA V; Congenital adrenal hyperplasia due to 17-alpha-hydroxylase deficiency; Congenital adrenal hyperplasia type 5; 17-alpha-hydroxylase/17,20-lyase deficiency. Identifiers: Orphanet 90793, MedGen C0268285, MONDO:0008730, OMIM 202110.

Submission:

Natera, Inc.
Classification: Pathogenic for Deficiency of steroid 17-alpha-monooxygenase. Last evaluated: 2025-01-21. Review status: criteria provided, single submitter. Criteria: Natera Variant Classification Schema (03/2026). Collection method: clinical testing. Allele origin: germline.
Comment: The c.970-2A>G variant in CYP17A1 is a canonical splice acceptor site variant predicted to affect pre-mRNA splicing, which may result in an abnormal transcript and altered protein product. This variant is expected to result in nonsense mediated decay, truncation, or a dysfunctional protein product. This variant is rare in the general population with a frequency below the threshold expected for the associated phenotype(s). Another variant at this same site results in an alteration predicted to cause a similar molecular effect has been observed in individual(s) with the associated phenotype. Given the available evidence, this variant is classified as Pathogenic.

NM_000102.4(CYP17A1):c.970-2A>G

Genes: CYP17A1 (cytochrome P450 family 17 subfamily A member 1; minus strand), CYP17A1-AS1 (CYP17A1 antisense RNA 1; plus strand). Cytogenetic location: 10q24.32.
Variant type: single nucleotide variant.
Coding change: c.970-2A>G on transcript NM_000102.4 (MANE Select); the canonical splice acceptor site of the intron before coding-DNA position 970, A replaced by G.
Molecular consequence: splice acceptor variant.
Genome position (GRCh38, 1-based): chr10:102,832,682, T>C on the plus strand (A>G on the coding strand, the complement: CYP17A1 is on the minus strand). VCF-style: chr10-102832682-T-C. GRCh37 (hg19) VCF-style: chr10-104592439-T-C.
Identifiers: ClinVar variation 4065689 (VCV004065689.2).